The following is an entry in ClinVar:

NM_000455.5(STK11):c.1108+7_1108+8del

Genes: STK11 (serine/threonine kinase 11; plus strand), LOC130062899 (ATAC-STARR-seq lymphoblastoid active region 13597; plus strand). Cytogenetic location: 19p13.3.
Variant type: Deletion.
Coding change: c.1108+7_1108+8del on transcript NM_000455.5 (MANE Select); bases 7 to 8 of the intron after coding-DNA position 1108, 2 bases deleted (CT; older notation c.1108+7_1108+8delCT).
Molecular consequence: intron variant.
Genome position (GRCh38, 1-based): chr19:1,223,179-1,223,180, CT deleted; deleting any 2 consecutive bases within chr19:1,223,178-1,223,180 gives the same sequence; the c. name uses the placement nearest the transcript's 3' end. VCF-style (leftmost placement, unchanged base first): chr19-1223177-GTC-G. GRCh37 (hg19) VCF-style: chr19-1223176-GTC-G.
Other names: c.1108+7_1108+8del (NM_001407255.1).
Identifiers: ClinVar variation 3904543 (VCV003904543.1).

ClinVar aggregate classification (germline): Likely benign (1 of 4 stars; one submission).

Conditions:
Peutz-Jeghers syndrome (PJS). Also called: POLYPOSIS, HAMARTOMATOUS INTESTINAL; POLYPS-AND-SPOTS SYNDROME; Peutz-Jeghers polyposis; Periorificial lentiginosis syndrome. Identifiers: Orphanet 2869, MedGen C0031269, MeSH D010580, MONDO:0008280, OMIM 175200.

Submission:

Myriad Genetics, Inc.
Classification: Likely benign for Peutz-Jeghers syndrome. Last evaluated: 2025-03-28. Review status: criteria provided, single submitter. Criteria: Myriad Autosomal Dominant, Autosomal Recessive and X-Linked Classification Criteria (2023). Collection method: clinical testing. Allele origin: unknown.
Comment: This variant is considered likely benign. This variant is intronic and is not expected to impact mRNA splicing.